The following is an entry in ClinVar:

ClinVar aggregate classification (germline): Benign. Review status: criteria provided, multiple submitters, no conflicts (2 of 4 stars). 2 submissions from 2 submitters: Benign (2). Last evaluated 2018-01-13.

Conditions:
Congenital stationary night blindness autosomal dominant 3. Also called: NIGHT BLINDNESS, CONGENITAL STATIONARY, NOUGARET TYPE. Identifiers: Orphanet 215, MedGen C1864870, MONDO:0012497, OMIM 610444.

Allele frequency attached by ClinVar (database versions not stated): 1000 Genomes Project 0.21605; 1000 Genomes Project 30x 0.22626; gnomAD exomes 0.28073; gnomAD 0.30818 and 0.31869; TOPMed 0.31635.
gnomAD v4.1: 47,044 of 152,724 alleles (31%); highest among the groups gnomAD compares: Middle Eastern, 39%; 7,769 homozygotes.

Submissions (2):

Illumina Laboratory Services, Illumina
Classification: Benign for Congenital stationary night blindness autosomal dominant 3. Last evaluated: 2018-01-13. Review status: criteria provided, single submitter. Criteria: ICSL Variant Classification Criteria 13 December 2019. Collection method: clinical testing. Allele origin: germline.
Comment: This variant was observed in the ICSL laboratory as part of a predisposition screen in an ostensibly healthy population. It had not been previously curated by ICSL or reported in the Human Gene Mutation Database (HGMD: prior to June 1st, 2018), and was therefore a candidate for classification through an automated scoring system. Utilizing variant allele frequency, disease prevalence and penetrance estimates, and inheritance mode, an automated score was calculated to assess if this variant is too frequent to cause the disease. Based on the score and internal cut-off values, a variant classified as benign is not then subjected to further curation. The score for this variant resulted in a classification of benign for this disease.

Breakthrough Genomics
Classification: Benign. Review status: criteria provided, single submitter. Criteria: ACMG Guidelines, 2015. Collection method: not provided. Allele origin: germline. Inheritance: Autosomal recessive inheritance. Affected: yes.

NM_144499.3(GNAT1):c.*618C>T

Gene: GNAT1 (G protein subunit alpha transducin 1; plus strand). Cytogenetic location: 3p21.31.
Variant type: single nucleotide variant.
Coding change: c.*618C>T on transcript NM_144499.3 (MANE Select); 618 bases downstream of the stop codon, C replaced by T.
Molecular consequence: 3 prime UTR variant. On other transcripts: intron variant (1).
Genome position (GRCh38, 1-based): chr3:50,195,884, C>T. VCF-style: chr3-50195884-C-T. GRCh37 (hg19) VCF-style: chr3-50233317-C-T.
Other names: c.2-518C>T (NM_000172.4).
Identifiers: ClinVar variation 346062 (VCV000346062.6), dbSNP rs13064381, ClinGen allele CA10619093.